The following is an entry in ClinVar:

ClinVar aggregate classification (germline): Uncertain significance (1 of 4 stars; one submission).

Allele frequency attached by ClinVar (database versions not stated): gnomAD exomes below 0.00001.
gnomAD v4.1: 11 of 1,613,976 alleles (0.00068%); highest among the groups gnomAD compares: African/African-American, 0.0027%; no homozygotes.

Submission:

Labcorp Genetics (formerly Invitae), Labcorp
Classification: Uncertain significance. Last evaluated: 2022-11-22. Review status: criteria provided, single submitter. Criteria: Invitae Variant Classification Sherloc (09022015). Collection method: clinical testing. Allele origin: germline.
Comment: In summary, the available evidence is currently insufficient to determine the role of this variant in disease. Therefore, it has been classified as a Variant of Uncertain Significance. Algorithms developed to predict the effect of missense changes on protein structure and function output the following: SIFT: "Deleterious"; PolyPhen-2: "Benign"; Align-GVGD: "Class C0". The alanine amino acid residue is found in multiple mammalian species, which suggests that this missense change does not adversely affect protein function. This sequence change replaces serine, which is neutral and polar, with alanine, which is neutral and non-polar, at codon 1030 of the TUBGCP6 protein (p.Ser1030Ala). This variant is not present in population databases (gnomAD no frequency). This variant has not been reported in the literature in individuals affected with TUBGCP6-related conditions. ClinVar contains an entry for this variant (Variation ID: 1394977).

NM_020461.4(TUBGCP6):c.3088T>G (p.Ser1030Ala)

Gene: TUBGCP6 (tubulin gamma complex component 6; minus strand). Cytogenetic location: 22q13.33.
Variant type: single nucleotide variant.
Coding change: c.3088T>G on transcript NM_020461.4 (MANE Select); coding-DNA position 3088, T replaced by G.
Protein change: p.Ser1030Ala; replaces serine 1030 with alanine.
Molecular consequence: missense variant.
Genome position (GRCh38, 1-based): chr22:50,221,271, A>C on the plus strand (T>G on the coding strand, the complement: TUBGCP6 is on the minus strand). VCF-style: chr22-50221271-A-C. GRCh37 (hg19) VCF-style: chr22-50659700-A-C.
Other names: short protein forms S1030A.
Identifiers: ClinVar variation 1394977 (VCV001394977.6), dbSNP rs112715789, ClinGen allele CA325512549.